The following is an entry in ClinVar:

NM_001844.5(COL2A1):c.1365+12A>G

Gene: COL2A1 (collagen type II alpha 1 chain; minus strand). Cytogenetic location: 12q13.11.
Variant type: single nucleotide variant.
Coding change: c.1365+12A>G on transcript NM_001844.5 (MANE Select); 12 bases into the intron after coding-DNA position 1365, A replaced by G.
Molecular consequence: intron variant.
Genome position (GRCh38, 1-based): chr12:47,987,066, T>C on the plus strand (A>G on the coding strand, the complement: COL2A1 is on the minus strand). VCF-style: chr12-47987066-T-C. GRCh37 (hg19) VCF-style: chr12-48380849-T-C.
Other names: c.1158+12A>G (NM_033150.3).
Identifiers: ClinVar variation 513129 (VCV000513129.4), dbSNP rs1555167401, ClinGen allele CA658797889.

ClinVar aggregate classification (germline): Likely benign. Review status: criteria provided, multiple submitters, no conflicts (2 of 4 stars). 2 submissions from 2 submitters: Likely benign (2). Last evaluated 2023-04-28.

Allele frequency attached by ClinVar (database versions not stated): gnomAD 0.00001.

Submissions (2):

Labcorp Genetics (formerly Invitae), Labcorp
Classification: Likely benign. Last evaluated: 2023-04-28. Review status: criteria provided, single submitter. Criteria: Invitae Variant Classification Sherloc (09022015). Collection method: clinical testing. Allele origin: germline.

GeneDx
Classification: Likely benign. Last evaluated: 2017-11-07. Review status: criteria provided, single submitter. Criteria: GeneDx Variant Classification (06012015). Collection method: clinical testing. Allele origin: germline. Affected: yes.
Comment: This variant is considered likely benign or benign based on one or more of the following criteria: it is a conservative change, it occurs at a poorly conserved position in the protein, it is predicted to be benign by multiple in silico algorithms, and/or has population frequency not consistent with disease.